The following is an entry in ClinVar:

NM_000368.5(TSC1):c.3274G>T (p.Ala1092Ser)

Gene: TSC1 (TSC complex subunit 1; minus strand). Cytogenetic location: 9q34.13.
Variant type: single nucleotide variant.
Coding change: c.3274G>T on transcript NM_000368.5 (MANE Select); coding-DNA position 3274, G replaced by T.
Protein change: p.Ala1092Ser; replaces alanine 1092 with serine.
Molecular consequence: missense variant.
Genome position (GRCh38, 1-based): chr9:132,896,456, C>A on the plus strand (G>T on the coding strand, the complement: TSC1 is on the minus strand). VCF-style: chr9-132896456-C-A. GRCh37 (hg19) VCF-style: chr9-135771843-C-A.
Other names: c.3271G>T, p.Ala1091Ser (NM_001162426.2); c.3121G>T, p.Ala1041Ser (NM_001162427.2); c.2911G>T, p.Ala971Ser (NM_001362177.2); short protein forms A1092S, A1091S, A971S, A1041S.
Identifiers: ClinVar variation 640411 (VCV000640411.15), dbSNP rs747053008, ClinGen allele CA036323.

ClinVar aggregate classification (germline): Conflicting classifications of pathogenicity. Review status: criteria provided, conflicting classifications (1 of 4 stars). 4 submissions from 4 submitters: Uncertain significance (3); Likely benign (1). Last evaluated 2025-09-10.

Conditions:
Isolated focal cortical dysplasia type II (FCORD2). Also called: CORTICAL DYSPLASIA OF TAYLOR; Focal cortical dysplasia type II. Identifiers: Orphanet 268994, MedGen C1846385, MONDO:0011818, OMIM 607341, HP:0032051.
Tuberous sclerosis 1 (TSC1). Identifiers: Orphanet 805, MedGen C1854465, MONDO:0008612, OMIM 191100.
Hereditary cancer-predisposing syndrome. Also called: Neoplastic Syndromes, Hereditary; Hereditary Cancer Syndrome; Hereditary neoplastic syndrome; Tumor predisposition. Identifiers: Orphanet 140162, MedGen C0027672, MeSH D009386, MONDO:0015356.

Allele frequency attached by ClinVar (database versions not stated): gnomAD exomes below 0.00001; ExAC 0.00001.

Submissions (4):

Labcorp Genetics (formerly Invitae), Labcorp
Classification: Likely benign for Tuberous sclerosis 1. Last evaluated: 2025-09-10. Review status: criteria provided, single submitter. Criteria: Invitae Variant Classification Sherloc (09022015). Collection method: clinical testing. Allele origin: germline.

Ambry Genetics
Classification: Uncertain significance for Hereditary cancer-predisposing syndrome. Last evaluated: 2025-07-16. Review status: criteria provided, single submitter. Criteria: Ambry Variant Classification Scheme 2023. Collection method: clinical testing. Allele origin: germline.
Comment: The p.A1092S variant (also known as c.3274G>T), located in coding exon 21 of the TSC1 gene, results from a G to T substitution at nucleotide position 3274. The alanine at codon 1092 is replaced by serine, an amino acid with similar properties. This amino acid position is well conserved in available vertebrate species. In addition, this alteration is predicted to be tolerated by in silico analysis. Based on the available evidence, the clinical significance of this variant remains unclear.

Baylor Genetics
Classification: Uncertain significance for Isolated focal cortical dysplasia type II. Last evaluated: 2023-08-23. Review status: criteria provided, single submitter. Criteria: ACMG Guidelines, 2015. Collection method: clinical testing. Allele origin: unknown.

Genome-Nilou Lab
Classification: Uncertain significance for Tuberous sclerosis 1. Last evaluated: 2021-11-07. Review status: criteria provided, single submitter. Criteria: ACMG Guidelines, 2015. Collection method: clinical testing. Allele origin: germline. Affected: no.